The following is an entry in ClinVar:

NM_000440.3(PDE6A):c.2399del (p.Asp800fs)

Gene: PDE6A (phosphodiesterase 6A; minus strand). Cytogenetic location: 5q32.
Variant type: Deletion.
Coding change: c.2399del on transcript NM_000440.3 (MANE Select); coding-DNA position 2399, one base deleted (A; older notation c.2399delA).
Protein change: p.Asp800fs; shifts the reading frame from aspartic acid 800.
Molecular consequence: frameshift variant.
Genome position (GRCh38, 1-based): chr5:149,863,226, T deleted on the plus strand (A on the coding strand, the reverse complement: PDE6A is on the minus strand). VCF-style (leftmost placement, unchanged base first): chr5-149863225-GT-G. GRCh37 (hg19) VCF-style: chr5-149242788-GT-G.
Other names: short protein forms D800fs.
Identifiers: ClinVar variation 967408 (VCV000967408.8), dbSNP rs1261317873, ClinGen allele CA805545219.
Genomic context (GRCh38, chr5:149,863,225, plus strand): 5'-CATCTTGGCATCGTACTCATCAGCAAGCGCCTTCCACTCCTTGCGATTGTTGGTGATCCC[GT>G]CCAACATTGGGGTGATCTCCTCGTGGAAACGGGAGAATTCCTAGAAGAGAGAGTATGTGC-3'

ClinVar aggregate classification (germline): Pathogenic (1 of 4 stars; one submission).

Allele frequency attached by ClinVar (database versions not stated): TOPMed below 0.00001; gnomAD 0.00001.

Submission:

Labcorp Genetics (formerly Invitae), Labcorp
Classification: Pathogenic. Last evaluated: 2024-04-24. Review status: criteria provided, single submitter. Criteria: Invitae Variant Classification Sherloc (09022015). Collection method: clinical testing. Allele origin: germline.
Comment: This sequence change creates a premature translational stop signal (p.Asp800Alafs*21) in the PDE6A gene. It is expected to result in an absent or disrupted protein product. Loss-of-function variants in PDE6A are known to be pathogenic (PMID: 7493036, 22128245, 23847139). This variant is not present in population databases (gnomAD no frequency). This variant has not been reported in the literature in individuals affected with PDE6A-related conditions. ClinVar contains an entry for this variant (Variation ID: 967408). For these reasons, this variant has been classified as Pathogenic.

Literature cited by the submitters: PubMed 7493036; PubMed 22128245; PubMed 23847139.